The following is an entry in ClinVar:

ClinVar aggregate classification (germline): Uncertain significance (1 of 4 stars; one submission).

Conditions:
Inborn genetic diseases. Identifiers: MedGen C0950123, MeSH D030342.

Submission:

Ambry Genetics
Classification: Uncertain significance for Inborn genetic diseases. Last evaluated: 2025-05-29. Review status: criteria provided, single submitter. Criteria: Ambry Variant Classification Scheme 2023. Collection method: clinical testing. Allele origin: germline.
Comment: The p.N769I variant (also known as c.2306A>T), located in coding exon 1 of the SAMD9L gene, results from an A to T substitution at nucleotide position 2306. The asparagine at codon 769 is replaced by isoleucine, an amino acid with dissimilar properties. This amino acid position is conserved. In addition, the in silico prediction for this alteration is inconclusive. Based on the available evidence, the clinical significance of this variant remains unclear.

NM_152703.5(SAMD9L):c.2306A>T (p.Asn769Ile)

Gene: SAMD9L (sterile alpha motif domain containing 9 like; minus strand). Cytogenetic location: 7q21.2.
Variant type: single nucleotide variant.
Coding change: c.2306A>T on transcript NM_152703.5 (MANE Select); coding-DNA position 2306, A replaced by T.
Protein change: p.Asn769Ile; replaces asparagine 769 with isoleucine.
Molecular consequence: missense variant.
Genome position (GRCh38, 1-based): chr7:93,133,666, T>A on the plus strand (A>T on the coding strand, the complement: SAMD9L is on the minus strand). VCF-style: chr7-93133666-T-A. GRCh37 (hg19) VCF-style: chr7-92762979-T-A.
Other names: c.2306A>T, p.Asn769Ile (NM_001303496.3, NM_001303497.3, NM_001303498.3 and 5 more transcripts); short protein forms N769I.
Identifiers: ClinVar variation 3949970 (VCV003949970.1).
Genomic context (GRCh38, chr7:93,133,666, plus strand): 5'-GCCCTATAGGTGACCAGATTGATCACTTGCTCTGCAATTTCTGCAAAATCAGTTGTCTTG[T>A]TTTTTAACACAGCACATCTGAAGTTTTTCTTTAAGTCCCAGAGAACATGCATAGCCAGTG-3'
Protein context (NP_689916.2, residues 759-779): KKNFRCAVLK[Asn769Ile]KTTDFAEIAE